The following is an entry in ClinVar:

NM_014714.4(IFT140):c.2551G>A (p.Val851Met)

Gene: IFT140 (intraflagellar transport 140; minus strand). Cytogenetic location: 16p13.3.
Variant type: single nucleotide variant.
Coding change: c.2551G>A on transcript NM_014714.4 (MANE Select); coding-DNA position 2551, G replaced by A.
Protein change: p.Val851Met; replaces valine 851 with methionine.
Molecular consequence: missense variant.
Genome position (GRCh38, 1-based): chr16:1,526,645, C>T on the plus strand (G>A on the coding strand, the complement: IFT140 is on the minus strand). VCF-style: chr16-1526645-C-T. GRCh37 (hg19) VCF-style: chr16-1576646-C-T.
Other names: short protein forms V851M.
Identifiers: ClinVar variation 195510 (VCV000195510.16), dbSNP rs754753583, ClinGen allele CA241953.

ClinVar aggregate classification (germline): Conflicting classifications of pathogenicity. Review status: criteria provided, conflicting classifications (1 of 4 stars). 5 submissions from 5 submitters: Uncertain significance (2); Likely benign (2). 1 of the submissions does not count toward it. Last evaluated 2026-01-05.

Conditions:
Saldino-Mainzer syndrome (SRTD9). Also called: Renal dysplasia, retinal pigmentary dystrophy, cerebellar ataxia and skeletal dysplasia; SHORT-RIB THORACIC DYSPLASIA 9 WITHOUT POLYDACTYLY; short-rib thoracic dysplasia 9 with or without polydactyly; CONORENAL SYNDROME. Identifiers: Orphanet 140969, MedGen C1849437, MONDO:0009964, OMIM 266920.
Retinitis pigmentosa 80 (RP80). Identifiers: MedGen C4540439, MONDO:0054708, OMIM 617781.
IFT140-related disorder. Also called: IFT140-related condition.

Allele frequency attached by ClinVar (database versions not stated): 1000 Genomes Project 30x 0.00016; gnomAD exomes 0.00007 and 0.00009; TOPMed 0.00007; ExAC 0.00010; gnomAD 0.00012 and 0.00013.
gnomAD v4.1: 133 of 1,574,868 alleles (0.0084%); highest among the groups gnomAD compares: East Asian, 0.014%; no homozygotes.

Submissions (5):

Labcorp Genetics (formerly Invitae), Labcorp
Classification: Likely benign for Saldino-Mainzer syndrome. Last evaluated: 2026-01-05. Review status: criteria provided, single submitter. Criteria: Invitae Variant Classification Sherloc (09022015). Collection method: clinical testing. Allele origin: germline.

Blueprint Genetics
Classification: Likely benign. Last evaluated: 2024-02-27. Review status: criteria provided, single submitter. Criteria: ACMG Guidelines, 2015. Collection method: clinical testing. Allele origin: germline.

Fulgent Genetics
Classification: Uncertain significance for Saldino-Mainzer syndrome; Retinitis pigmentosa 80. Last evaluated: 2022-04-05. Review status: criteria provided, single submitter. Criteria: ACMG Guidelines, 2015. Collection method: clinical testing. Allele origin: unknown.

Eurofins Ntd Llc (ga)
Classification: Uncertain significance. Last evaluated: 2014-12-04. Review status: criteria provided, single submitter. Criteria: EGL Classification Definitions 2015. Collection method: clinical testing. Allele origin: germline. Observed: 1 variant allele, 1 heterozygote.

PreventionGenetics, part of Exact Sciences
Classification: Likely benign for IFT140-related condition. Last evaluated: 2022-11-01. Review status: no assertion criteria provided. Collection method: clinical testing. Allele origin: germline. Not counted in ClinVar's aggregate classification.
Comment: This variant is classified as likely benign based on ACMG/AMP sequence variant interpretation guidelines (Richards et al. 2015 PMID: 25741868, with internal and published modifications).